The following is an entry in ClinVar:

ClinVar aggregate classification (germline): Uncertain significance (1 of 4 stars; one submission).

Submission:

Labcorp Genetics (formerly Invitae), Labcorp
Classification: Uncertain significance. Last evaluated: 2025-02-15. Review status: criteria provided, single submitter. Criteria: Invitae Variant Classification Sherloc (09022015). Collection method: clinical testing. Allele origin: germline.
Comment: This sequence change replaces arginine, which is basic and polar, with lysine, which is basic and polar, at codon 2158 of the KMT2A protein (p.Arg2158Lys). This variant is not present in population databases (gnomAD no frequency). This variant has not been reported in the literature in individuals affected with KMT2A-related conditions. Invitae Evidence Modeling of protein sequence and biophysical properties (such as structural, functional, and spatial information, amino acid conservation, physicochemical variation, residue mobility, and thermodynamic stability) has been performed for this missense variant. However, the output from this modeling did not meet the statistical confidence thresholds required to predict the impact of this variant on KMT2A protein function. In summary, the available evidence is currently insufficient to determine the role of this variant in disease. Therefore, it has been classified as a Variant of Uncertain Significance.

NM_001197104.2(KMT2A):c.6473G>A (p.Arg2158Lys)

Gene: KMT2A (lysine methyltransferase 2A; plus strand). Cytogenetic location: 11q23.3.
Variant type: single nucleotide variant.
Coding change: c.6473G>A on transcript NM_001197104.2 (MANE Select); coding-DNA position 6473, G replaced by A.
Protein change: p.Arg2158Lys; replaces arginine 2158 with lysine.
Molecular consequence: missense variant.
Genome position (GRCh38, 1-based): chr11:118,501,825, G>A. VCF-style: chr11-118501825-G-A. GRCh37 (hg19) VCF-style: chr11-118372540-G-A.
Other names: c.6563G>A, p.Arg2188Lys (NM_001412597.1); c.6464G>A, p.Arg2155Lys (NM_005933.4); short protein forms R2188K, R2158K, R2155K.
Identifiers: ClinVar variation 3634329 (VCV003634329.2).